The following is an entry in ClinVar:

NM_001851.6(COL9A1):c.1961C>T (p.Pro654Leu)

Gene: COL9A1 (collagen type IX alpha 1 chain; minus strand). Cytogenetic location: 6q13.
Variant type: single nucleotide variant.
Coding change: c.1961C>T on transcript NM_001851.6 (MANE Select); coding-DNA position 1961, C replaced by T.
Protein change: p.Pro654Leu; replaces proline 654 with leucine.
Molecular consequence: missense variant. On other transcripts: non-coding transcript variant (1).
Genome position (GRCh38, 1-based): chr6:70,242,001, G>A on the plus strand (C>T on the coding strand, the complement: COL9A1 is on the minus strand). VCF-style: chr6-70242001-G-A. GRCh37 (hg19) VCF-style: chr6-70951704-G-A.
Other names: c.1262C>T, p.Pro421Leu (NM_001377289.1); c.1232C>T, p.Pro411Leu (NM_001377290.1, NM_078485.4); short protein forms P411L, P421L, P654L.
Identifiers: ClinVar variation 1315966 (VCV001315966.8), dbSNP rs766455840, ClinGen allele CA3881939.

ClinVar aggregate classification (germline): Uncertain significance. Review status: criteria provided, multiple submitters, no conflicts (2 of 4 stars). 3 submissions from 3 submitters: Uncertain significance (3). Last evaluated 2025-06-27.

Conditions:
COL9A1-related disorder. Also called: COL9A1-related condition; COL9A1-related disorders.

Allele frequency attached by ClinVar (database versions not stated): gnomAD 0.00003 and 0.00004; gnomAD exomes 0.00007 and 0.00001; ExAC 0.00002; TOPMed 0.00002.
gnomAD v4.1: 99 of 1,600,174 alleles (0.0062%); highest among the groups gnomAD compares: Non-Finnish European, 0.0083%; no homozygotes.

Submissions (3):

PreventionGenetics, part of Exact Sciences
Classification: Uncertain significance for COL9A1-related condition. Last evaluated: 2025-06-27. Review status: criteria provided, single submitter. Criteria: ACMG Guidelines, 2015. Collection method: clinical testing. Allele origin: germline.
Comment: The COL9A1 c.1961C>T variant is predicted to result in the amino acid substitution p.Pro654Leu. To our knowledge, this variant has not been reported in the literature. This variant is reported in 0.0044% of alleles in individuals of African descent in gnomAD. At this time, the clinical significance of this variant is uncertain due to the absence of conclusive functional and genetic evidence.

Labcorp Genetics (formerly Invitae), Labcorp
Classification: Uncertain significance. Last evaluated: 2023-11-27. Review status: criteria provided, single submitter. Criteria: Invitae Variant Classification Sherloc (09022015). Collection method: clinical testing. Allele origin: germline.
Comment: This sequence change replaces proline, which is neutral and non-polar, with leucine, which is neutral and non-polar, at codon 654 of the COL9A1 protein (p.Pro654Leu). This variant is present in population databases (rs766455840, gnomAD 0.005%). This variant has not been reported in the literature in individuals affected with COL9A1-related conditions. ClinVar contains an entry for this variant (Variation ID: 1315966). Advanced modeling of protein sequence and biophysical properties (such as structural, functional, and spatial information, amino acid conservation, physicochemical variation, residue mobility, and thermodynamic stability) performed at Invitae indicates that this missense variant is not expected to disrupt COL9A1 protein function with a negative predictive value of 95%. In summary, the available evidence is currently insufficient to determine the role of this variant in disease. Therefore, it has been classified as a Variant of Uncertain Significance.

GeneDx
Classification: Uncertain significance. Last evaluated: 2019-11-14. Review status: criteria provided, single submitter. Criteria: GeneDx Variant Classification Process June 2021. Collection method: clinical testing. Allele origin: germline. Affected: yes.
Comment: Has not been previously published as pathogenic or benign to our knowledge; Not observed at a significant frequency in large population cohorts (Lek et al., 2016); In silico analysis, which includes protein predictors and evolutionary conservation, supports a deleterious effect